The following is an entry in ClinVar:

NM_000038.6(APC):c.1429G>T (p.Glu477Ter)

Gene: APC (APC regulator of Wnt signaling pathway; plus strand). Cytogenetic location: 5q22.2.
Variant type: single nucleotide variant.
Coding change: c.1429G>T on transcript NM_000038.6 (MANE Select); coding-DNA position 1429, G replaced by T.
Protein change: p.Glu477Ter; replaces glutamic acid 477 with a stop codon.
Molecular consequence: nonsense.
Genome position (GRCh38, 1-based): chr5:112,827,128, G>T. VCF-style: chr5-112827128-G-T. GRCh37 (hg19) VCF-style: chr5-112162825-G-T.
Other names: c.1429G>T, p.Glu477Ter (NM_001127510.3, NM_001354895.2, NM_001407450.1); c.1375G>T, p.Glu459Ter (NM_001127511.3); c.1483G>T, p.Glu495Ter (NM_001354896.2, NM_001407447.1, NM_001407448.1 and 1 more transcripts); c.1459G>T, p.Glu487Ter (NM_001354897.2); c.1354G>T, p.Glu452Ter (NM_001354898.2); c.1345G>T, p.Glu449Ter (NM_001354899.2); c.1306G>T, p.Glu436Ter (NM_001354900.2); c.1252G>T, p.Glu418Ter (NM_001354901.2, NM_001407453.1); and 11 more; short protein forms E194*, E317*, E348*, E351*, E376*, E386*, E394*, E418*.
Identifiers: ClinVar variation 2584014 (VCV002584014.1), dbSNP rs1763761095, ClinGen allele CA16024434.
Genomic context (GRCh38, chr5:112,827,128, plus strand): 5'-TTAGATGATTGTCTTTTTCCTCTTGCCCTTTTTAAATTAGGGGGACTACAGGCCATTGCA[G>T]AATTATTGCAAGTGGACTGTGAAATGTATGGGCTTACTAATGACCACTACAGTATTACAC-3'

ClinVar aggregate classification (germline): Pathogenic (1 of 4 stars; one submission).

Conditions:
Familial adenomatous polyposis 1 (FAP1). Also called: FAMILIAL ADENOMATOUS POLYPOSIS 1, ATTENUATED; POLYPOSIS, ADENOMATOUS INTESTINAL. Identifiers: MedGen C2713442, MONDO:0021056, OMIM 175100. Disease mechanism: loss of function.

Submission:

Myriad Genetics, Inc.
Classification: Pathogenic for Familial adenomatous polyposis 1. Last evaluated: 2023-05-01. Review status: criteria provided, single submitter. Criteria: Myriad Autosomal Dominant, Autosomal Recessive and X-Linked Classification Criteria (2023). Collection method: clinical testing. Allele origin: unknown.
Comment: This variant is considered pathogenic. This variant creates a termination codon and is predicted to result in premature protein truncation.